The following is an entry in ClinVar:

NM_001085458.2(CTNND1):c.1537A>G (p.Asn513Asp)

Genes: CTNND1 (catenin delta 1; plus strand), TMX2-CTNND1 (TMX2-CTNND1 readthrough (NMD candidate); plus strand). Cytogenetic location: 11q12.1.
Variant type: single nucleotide variant.
Coding change: c.1537A>G on transcript NM_001085458.2 (MANE Select); coding-DNA position 1537, A replaced by G.
Protein change: p.Asn513Asp; replaces asparagine 513 with aspartic acid.
Molecular consequence: missense variant. On other transcripts: non-coding transcript variant (1).
Genome position (GRCh38, 1-based): chr11:57,803,737, A>G. VCF-style: chr11-57803737-A-G. GRCh37 (hg19) VCF-style: chr11-57571209-A-G.
Other names: c.1537A>G, p.Asn513Asp (NM_001085459.2, NM_001085460.2, NM_001085461.2 and 3 more transcripts); c.1234A>G, p.Asn412Asp (NM_001085463.2, NM_001085464.2, NM_001085465.2 and 5 more transcripts); c.1375A>G, p.Asn459Asp (NM_001206883.2, NM_001206884.2, NM_001206886.2 and 4 more transcripts); short protein forms N412D, N459D, N513D.
Identifiers: ClinVar variation 724638 (VCV000724638.6), dbSNP rs199990235, ClinGen allele CA6010450.
Genomic context (GRCh38, chr11:57,803,737, plus strand): 5'-GCACTGCATGCCTTGACAGATGAAGTGATCATTCCTCATTCTGGTTGGGAGCGGGAACCT[A>G]ATGAAGACTGTAAGCCACGCCACATTGAGTGGGAATCGGTGCTCACCAACACAGCTGGCT-3'
Protein context (NP_001078927.1, residues 503-523): IPHSGWEREP[Asn513Asp]EDCKPRHIEW

ClinVar aggregate classification (germline): Likely benign. Review status: criteria provided, multiple submitters, no conflicts (2 of 4 stars). 3 submissions from 3 submitters: Likely benign (2). 1 of the submissions does not count toward it. Last evaluated 2026-09-01.

Conditions:
CTNND1-related disorder. Also called: CTNND1-related condition.

Allele frequency attached by ClinVar (database versions not stated): gnomAD 0.00033 and 0.00035; gnomAD exomes 0.00051 and 0.00023; ExAC 0.00057; 1000 Genomes Project 0.00060; TOPMed 0.00061; 1000 Genomes Project 30x 0.00062; ESP Exome Variant Server 0.00016.
gnomAD v4.1: 421 of 1,613,588 alleles (0.026%); highest among the groups gnomAD compares: Admixed American, 0.18%; 4 homozygotes.

Submissions (3):

CeGaT Center for Human Genetics Tuebingen
Classification: Likely benign. Last evaluated: 2026-09-01. Review status: criteria provided, single submitter. Criteria: CeGaT Center For Human Genetics Tuebingen Variant Classification Criteria Version 2. Collection method: clinical testing. Allele origin: germline. Affected: yes. Observed: 1 variant allele.
Comment: CTNND1: BP4, BS1

Labcorp Genetics (formerly Invitae), Labcorp
Classification: Likely benign. Last evaluated: 2019-12-31. Review status: criteria provided, single submitter. Criteria: Invitae Variant Classification Sherloc (09022015). Collection method: clinical testing. Allele origin: germline.

PreventionGenetics, part of Exact Sciences
Classification: Likely benign for CTNND1-related condition. Last evaluated: 2024-08-23. Review status: no assertion criteria provided. Collection method: clinical testing. Allele origin: germline. Not counted in ClinVar's aggregate classification.
Comment: This variant is classified as likely benign based on ACMG/AMP sequence variant interpretation guidelines (Richards et al. 2015 PMID: 25741868, with internal and published modifications).